The following is an entry in ClinVar:

ClinVar aggregate classification (germline): Uncertain significance. Review status: criteria provided, multiple submitters, no conflicts (2 of 4 stars). 2 submissions from 2 submitters: Uncertain significance (2). Last evaluated 2024-08-20.

Allele frequency attached by ClinVar (database versions not stated): gnomAD 0.00001; TOPMed 0.00002; ExAC 0.00003; gnomAD exomes 0.00003; 1000 Genomes Project 30x 0.00016; 1000 Genomes Project 0.00020.
gnomAD v4.1: 47 of 1,614,210 alleles (0.0029%); highest among the groups gnomAD compares: Admixed American, 0.015%; no homozygotes.

Submissions (2):

Ambry Genetics
Classification: Uncertain significance. Last evaluated: 2024-08-20. Review status: criteria provided, single submitter. Criteria: Ambry Variant Classification Scheme 2023. Collection method: clinical testing. Allele origin: germline.

Labcorp Genetics (formerly Invitae), Labcorp
Classification: Uncertain significance. Last evaluated: 2023-01-14. Review status: criteria provided, single submitter. Criteria: Invitae Variant Classification Sherloc (09022015). Collection method: clinical testing. Allele origin: germline.
Comment: In summary, the available evidence is currently insufficient to determine the role of this variant in disease. Therefore, it has been classified as a Variant of Uncertain Significance. Advanced modeling of protein sequence and biophysical properties (such as structural, functional, and spatial information, amino acid conservation, physicochemical variation, residue mobility, and thermodynamic stability) performed at Invitae indicates that this missense variant is not expected to disrupt ERMARD protein function. This variant has not been reported in the literature in individuals affected with ERMARD-related conditions. This variant is present in population databases (rs202192406, gnomAD 0.02%). This sequence change replaces arginine, which is basic and polar, with glutamine, which is neutral and polar, at codon 537 of the ERMARD protein (p.Arg537Gln).

NM_018341.3(ERMARD):c.1610G>A (p.Arg537Gln)

Gene: ERMARD (ER membrane associated RNA degradation; plus strand). Cytogenetic location: 6q27.
Variant type: single nucleotide variant.
Coding change: c.1610G>A on transcript NM_018341.3 (MANE Select); coding-DNA position 1610, G replaced by A.
Protein change: p.Arg537Gln; replaces arginine 537 with glutamine.
Molecular consequence: missense variant. On other transcripts: intron variant (2).
Genome position (GRCh38, 1-based): chr6:169,776,544, G>A. VCF-style: chr6-169776544-G-A. GRCh37 (hg19) VCF-style: chr6-170176640-G-A.
Other names: c.1232G>A, p.Arg411Gln (NM_001278532.2); c.1202G>A, p.Arg401Gln (NM_001410957.1); c.1598+133G>A (NM_001278531.2); c.1520+479G>A (NM_001278533.2); c.1610G>A (NM_018341.1); short protein forms R537Q, R401Q, R411Q.
Identifiers: ClinVar variation 2960672 (VCV002960672.4), dbSNP rs202192406, ClinGen allele CA4106359.
Genomic context (GRCh38, chr6:169,776,544, plus strand): 5'-GCACACCTGTTCCCACCCTGTTCTGCCCCAGGATTGTGCTGGAAGTGCTGGTTGTGCTCC[G>A]AAGCATCAGCGAACAGTGCCGCCGTGTGTCCAGCCAGGTCACCGTTGCCTCAGAGCTGAG-3'
Protein context (NP_060811.1, residues 527-547): RIVLEVLVVL[Arg537Gln]SISEQCRRVS